The following is an entry in ClinVar:

NM_024301.5(FKRP):c.1097G>A (p.Gly366Asp)

Gene: FKRP (fukutin related protein; plus strand). Cytogenetic location: 19q13.32.
Variant type: single nucleotide variant.
Coding change: c.1097G>A on transcript NM_024301.5 (MANE Select); coding-DNA position 1097, G replaced by A.
Protein change: p.Gly366Asp; replaces glycine 366 with aspartic acid.
Molecular consequence: missense variant.
Genome position (GRCh38, 1-based): chr19:46,756,547, G>A. VCF-style: chr19-46756547-G-A. GRCh37 (hg19) VCF-style: chr19-47259804-G-A.
Other names: c.1097G>A, p.Gly366Asp (NM_001039885.3); short protein forms G366D.
Identifiers: ClinVar variation 5020608 (VCV005020608.1).
Genomic context (GRCh38, chr19:46,756,547, plus strand): 5'-CACTGCTGGGGGCCGCCCGCCACGGGGACATCATCCCATGGGACTACGACGTGGACCTGG[G>A]CATCTACTTGGAGGACGTGGGCAACTGCGAGCAGCTGCGGGGGGCAGAGGCCGGCTCGGT-3'
Protein context (NP_077277.1, residues 356-376): IIPWDYDVDL[Gly366Asp]IYLEDVGNCE

ClinVar aggregate classification (germline): Uncertain significance (1 of 4 stars; one submission).

gnomAD v4.1: 6 of 1,605,620 alleles (0.00037%); highest among the groups gnomAD compares: Non-Finnish European, 0.00051%; no homozygotes.

Submission:

Dasa
Classification: Uncertain significance. Last evaluated: 2026-05-06. Review status: criteria provided, single submitter. Criteria: DASA Assertion Criteria. Collection method: clinical testing. Allele origin: germline.
Comment: NM_024301.5(FKRP):c.1097G>A (p.Gly366Asp) is a missense variant that results in the substitution of glycine with aspartic acid. This variant has been observed in affected individuals with FKRP-related disorders. Also, this variant is rare in population databases. Computational prediction algorithms are consistent with a deleterious effect. The currently available literature and clinical evidence are not sufficient to establish a definitive association between this variant and the reported condition. Therefore, this variant is classified as a variant of uncertain significance.